The following is an entry in ClinVar:

ClinVar aggregate classification (germline): Conflicting classifications of pathogenicity. Review status: criteria provided, conflicting classifications (1 of 4 stars). 4 submissions from 3 submitters: Uncertain significance (2); Likely benign (1). 1 of the submissions does not count toward it. Last evaluated 2025-10-01.

Conditions:
LAMB2-related disorder. Also called: LAMB2-related condition.
LAMB2-related infantile-onset nephrotic syndrome. Also called: NEPHROTIC SYNDROME, TYPE 5, WITHOUT OCULAR ABNORMALITIES; NEPHROTIC SYNDROME, TYPE 5, WITH OCULAR ABNORMALITIES; Nephrotic Syndrome, type 5. Identifiers: Orphanet 306507, MedGen C3280113, MONDO:0013621, OMIM 614199.
Pierson syndrome. Also called: MICROCORIA-CONGENITAL NEPHROTIC SYNDROME. Identifiers: Orphanet 2670, MedGen C1836876, MONDO:0012184, OMIM 609049.

Allele frequency attached by ClinVar (database versions not stated): TOPMed 0.00014; ESP Exome Variant Server 0.00015; gnomAD 0.00017 and 0.00018; ExAC 0.00019; gnomAD exomes 0.00023.
gnomAD v4.1: 258 of 1,613,830 alleles (0.016%); highest among the groups gnomAD compares: Middle Eastern, 0.066%; 1 homozygote.

Submissions (4):

Labcorp Genetics (formerly Invitae), Labcorp
Classification: Likely benign for LAMB2-related infantile-onset nephrotic syndrome; Pierson syndrome. Last evaluated: 2025-10-01. Review status: criteria provided, single submitter. Criteria: Invitae Variant Classification Sherloc (09022015). Collection method: clinical testing. Allele origin: germline.

Illumina Laboratory Services, Illumina
Classification: Uncertain significance for LAMB2-related infantile-onset nephrotic syndrome. Last evaluated: 2018-01-13. Review status: criteria provided, single submitter. Criteria: ICSL Variant Classification Criteria 13 December 2019. Collection method: clinical testing. Allele origin: germline.

Illumina Laboratory Services, Illumina
Classification: Uncertain significance for Pierson syndrome. Last evaluated: 2018-01-13. Review status: criteria provided, single submitter. Criteria: ICSL Variant Classification Criteria 13 December 2019. Collection method: clinical testing. Allele origin: germline.

PreventionGenetics, part of Exact Sciences
Classification: Likely benign for LAMB2-related condition. Last evaluated: 2024-05-17. Review status: no assertion criteria provided. Collection method: clinical testing. Allele origin: germline. Not counted in ClinVar's aggregate classification.
Comment: This variant is classified as likely benign based on ACMG/AMP sequence variant interpretation guidelines (Richards et al. 2015 PMID: 25741868, with internal and published modifications).

NM_002292.4(LAMB2):c.5109C>T (p.Arg1703=)

Gene: LAMB2 (laminin subunit beta 2; minus strand). Cytogenetic location: 3p21.31.
Variant type: single nucleotide variant.
Coding change: c.5109C>T on transcript NM_002292.4 (MANE Select); coding-DNA position 5109, C replaced by T.
Protein change: p.Arg1703=; no amino-acid change (arginine 1703 retained).
Molecular consequence: synonymous variant.
Genome position (GRCh38, 1-based): chr3:49,121,584, G>A on the plus strand (C>T on the coding strand, the complement: LAMB2 is on the minus strand). VCF-style: chr3-49121584-G-A. GRCh37 (hg19) VCF-style: chr3-49159017-G-A.
Identifiers: ClinVar variation 345972 (VCV000345972.15), dbSNP rs151292828, ClinGen allele CA2393599.